The following is an entry in ClinVar:

ClinVar aggregate classification (germline): Uncertain significance (1 of 4 stars; one submission).

Conditions:
X-linked Alport syndrome (ATS1). Also called: NEPHROPATHY AND DEAFNESS, X-LINKED; COL4A5-Related Nephropathy. Identifiers: Orphanet 63, Orphanet 88917, MedGen C4746986, MONDO:0010520, OMIM 301050.

Submission:

Institute of Human Genetics, University of Leipzig Medical Center
Classification: Uncertain significance for X-linked Alport syndrome. Last evaluated: 2025-08-21. Review status: criteria provided, single submitter. Criteria: ACMG Guidelines, 2015. Collection method: clinical testing. Allele origin: maternal. Inheritance: X-linked dominant inheritance. Affected: yes.
Comment: Criteria applied: PM2,PP3,PP4

NM_033380.3(COL4A5):c.4821+3A>G

Gene: COL4A5 (collagen type IV alpha 5 chain; plus strand). Cytogenetic location: Xq22.3.
Variant type: single nucleotide variant.
Coding change: c.4821+3A>G on transcript NM_033380.3 (MANE Select); 3 bases into the intron after coding-DNA position 4821, A replaced by G.
Molecular consequence: intron variant.
Genome position (GRCh38, 1-based): chrX:108,694,924, A>G. VCF-style: chrX-108694924-A-G. GRCh37 (hg19) VCF-style: chrX-107938154-A-G.
Other names: c.4803+3A>G (NM_000495.5).
Identifiers: ClinVar variation 4279017 (VCV004279017.1).